The following is an entry in ClinVar:

ClinVar aggregate classification (germline): Uncertain significance (1 of 4 stars; one submission).

Allele frequency attached by ClinVar (database versions not stated): TOPMed below 0.00001.

Submission:

Ambry Genetics
Classification: Uncertain significance. Last evaluated: 2023-04-28. Review status: criteria provided, single submitter. Criteria: Ambry Variant Classification Scheme 2023. Collection method: clinical testing. Allele origin: germline.
Comment: The p.S509R variant (also known as c.1527C>A), located in coding exon 3 of the ALPK2 gene, results from a C to A substitution at nucleotide position 1527. The serine at codon 509 is replaced by arginine, an amino acid with dissimilar properties. This amino acid position is conserved. In addition, this alteration is predicted to be tolerated by in silico analysis. Since supporting evidence is limited at this time, the clinical significance of this alteration remains unclear.

NM_052947.4(ALPK2):c.1527C>A (p.Ser509Arg)

Gene: ALPK2 (alpha kinase 2; minus strand). Cytogenetic location: 18q21.31.
Variant type: single nucleotide variant.
Coding change: c.1527C>A on transcript NM_052947.4 (MANE Select); coding-DNA position 1527, C replaced by A.
Protein change: p.Ser509Arg; replaces serine 509 with arginine.
Molecular consequence: missense variant.
Genome position (GRCh38, 1-based): chr18:58,579,249, G>T on the plus strand (C>A on the coding strand, the complement: ALPK2 is on the minus strand). VCF-style: chr18-58579249-G-T. GRCh37 (hg19) VCF-style: chr18-56246481-G-T.
Other names: short protein forms S509R.
Identifiers: ClinVar variation 2564062 (VCV002564062.2), dbSNP rs1388120032, ClinGen allele CA402562393.